The following is an entry in ClinVar:

NM_001267550.2(TTN):c.18653T>G (p.Leu6218Arg)

Genes: TTN (titin; minus strand), LOC126806430 (BRD4-independent group 4 enhancer GRCh37_chr2:179593794-179594993; plus strand). Cytogenetic location: 2q31.2.
Variant type: single nucleotide variant.
Coding change: c.18653T>G on transcript NM_001267550.2 (MANE Select); coding-DNA position 18653, T replaced by G.
Protein change: p.Leu6218Arg; replaces leucine 6218 with arginine.
Molecular consequence: missense variant. On other transcripts: intron variant (3).
Genome position (GRCh38, 1-based): chr2:178,729,503, A>C on the plus strand (T>G on the coding strand, the complement: TTN is on the minus strand). VCF-style: chr2-178729503-A-C. GRCh37 (hg19) VCF-style: chr2-179594230-A-C.
Other names: c.17702T>G, p.Leu5901Arg (NM_001256850.1); c.13282+8579T>G (NM_003319.4); c.13858+8579T>G (NM_133437.4); c.13657+8579T>G (NM_133432.3); c.14921T>G, p.Leu4974Arg (NM_133378.4); c.18653T>G (NM_001267550.1); short protein forms L4974R, L6218R, L5901R.
Identifiers: ClinVar variation 179883 (VCV000179883.8), dbSNP rs727505193, ClinGen allele CA185338.
Genomic context (GRCh38, chr2:178,729,503, plus strand): 5'-TCCCTGTTATTCTTCAGCCAAGTGACTTCAAACGGAGGTGTTCCCGTAACTTCACACTCC[A>C]GCTCCACGTCACTATATTTTACTACCTCCACAGGCTTCAGCTCTCTGATAAAGGTGGGGG-3'
Protein context (NP_001254479.2, residues 6208-6228): VEVVKYSDVE[Leu6218Arg]ECEVTGTPPF

ClinVar aggregate classification (germline): Uncertain significance. Review status: criteria provided, multiple submitters, no conflicts (2 of 4 stars). 4 submissions from 4 submitters: Uncertain significance (4). Last evaluated 2026-07-02.

Conditions:
TTN-related disorder. Also called: TTN-related condition; TTN-related disease; TTN-related disorders.

Allele frequency attached by ClinVar (database versions not stated): ExAC 0.00001; gnomAD exomes 0.00001; gnomAD 0.00005 and 0.00006; TOPMed 0.00008.
gnomAD v4.1: 18 of 1,613,440 alleles (0.0011%); highest among the groups gnomAD compares: African/African-American, 0.021%; no homozygotes.

Submissions (4):

PreventionGenetics, part of Exact Sciences
Classification: Uncertain significance for TTN-related condition. Last evaluated: 2026-07-02. Review status: criteria provided, single submitter. Criteria: ACMG Guidelines, 2015. Collection method: clinical testing. Allele origin: germline.
Comment: The TTN c.18653T>G variant is predicted to result in the amino acid substitution p.Leu6218Arg. To our knowledge, this variant has not been reported in the literature. This variant is reported in 0.017% of alleles in individuals of African descent in gnomAD. At this time, the clinical significance of this variant is uncertain due to the absence of conclusive functional and genetic evidence.

Women's Health and Genetics/Laboratory Corporation of America, LabCorp
Classification: Uncertain significance. Last evaluated: 2026-06-16. Review status: criteria provided, single submitter. Criteria: LabCorp Variant Classification Summary - May 2015. Collection method: clinical testing. Allele origin: germline.

GeneDx
Classification: Uncertain significance. Last evaluated: 2026-04-24. Review status: criteria provided, single submitter. Criteria: GeneDx Variant Classification Process June 2021. Collection method: clinical testing. Allele origin: germline.
Comment: Not observed at significant frequency in large population cohorts (gnomAD); Missense variant in a gene in which most reported pathogenic variants are truncating/loss of function; Has not been previously published as pathogenic or benign to our knowledge; This variant is associated with the following publications: (PMID: 23975875)

Laboratory for Molecular Medicine, Mass General Brigham Personalized Medicine
Classification: Uncertain significance. Last evaluated: 2014-07-14. Review status: criteria provided, single submitter. Criteria: LMM Criteria. Collection method: clinical testing. Allele origin: germline. Observed: 1 variant allele.
Comment: The Leu4974Arg variant in TTN has not been previously reported in individuals wi th cardiomyopathy or in large population studies. Computational prediction tools and conservation analysis do not provide strong support for or against an impac t to the protein. In summary, the clinical significance of the Leu4974Arg varian t is uncertain.